The following is an entry in ClinVar:

ClinVar aggregate classification (germline): Uncertain significance (1 of 4 stars; one submission).

gnomAD v4.1: 3 of 1,611,610 alleles (0.00019%); highest among the groups gnomAD compares: Admixed American, 0.0017%; no homozygotes.

Submission:

GeneDx
Classification: Uncertain significance. Last evaluated: 2024-11-15. Review status: criteria provided, single submitter. Criteria: GeneDx Variant Classification Process June 2021. Collection method: clinical testing. Allele origin: germline. Affected: yes.
Comment: Not observed at significant frequency in large population cohorts (gnomAD); In silico analysis indicates that this missense variant does not alter protein structure/function; Has not been previously published as pathogenic or benign to our knowledge

NM_001363118.2(SLC52A2):c.781A>G (p.Thr261Ala)

Gene: SLC52A2 (solute carrier family 52 member 2; plus strand). Cytogenetic location: 8q24.3.
Variant type: single nucleotide variant.
Coding change: c.781A>G on transcript NM_001363118.2 (MANE Select); coding-DNA position 781, A replaced by G.
Protein change: p.Thr261Ala; replaces threonine 261 with alanine.
Molecular consequence: missense variant. On other transcripts: non-coding transcript variant (1).
Genome position (GRCh38, 1-based): chr8:144,360,273, A>G. VCF-style: chr8-144360273-A-G. GRCh37 (hg19) VCF-style: chr8-145583933-A-G.
Other names: c.781A>G, p.Thr261Ala (NM_001253815.2, NM_001253816.2, NM_001363120.2 and 2 more transcripts); c.289A>G, p.Thr97Ala (NM_001363122.2); c.517A>G, p.Thr173Ala (NM_001410949.1); short protein forms T173A, T261A, T97A.
Identifiers: ClinVar variation 3899647 (VCV003899647.1).